The following is an entry in ClinVar:

ClinVar aggregate classification (germline): Likely benign (1 of 4 stars; one submission).

Conditions:
Primary ciliary dyskinesia 3. Identifiers: Orphanet 244, MedGen C1837618, MONDO:0012085, OMIM 608644.

Allele frequency attached by ClinVar (database versions not stated): gnomAD 0.00507 and 0.00534; TOPMed 0.00614; 1000 Genomes Project 0.00639; 1000 Genomes Project 30x 0.00812.

Submission:

Illumina Laboratory Services, Illumina
Classification: Likely benign for Primary ciliary dyskinesia 3. Last evaluated: 2018-01-12. Review status: criteria provided, single submitter. Criteria: ICSL Variant Classification Criteria 13 December 2019. Collection method: clinical testing. Allele origin: germline.
Comment: This variant was observed in the ICSL laboratory as part of a predisposition screen in an ostensibly healthy population. It had not been previously curated by ICSL or reported in the Human Gene Mutation Database (HGMD: prior to June 1st, 2018), and was therefore a candidate for classification through an automated scoring system. Utilizing variant allele frequency, disease prevalence and penetrance estimates, and inheritance mode, an automated score was calculated to assess if this variant is too frequent to cause the disease. Based on the score and internal cut-off values, a variant classified as likely benign is not then subjected to further curation. The score for this variant resulted in a classification of likely benign for this disease.

NM_001369.3(DNAH5):c.*1156C>T

Gene: DNAH5 (dynein axonemal heavy chain 5; minus strand). Cytogenetic location: 5p15.2.
Variant type: single nucleotide variant.
Coding change: c.*1156C>T on transcript NM_001369.3 (MANE Select); 1156 bases downstream of the stop codon, C replaced by T.
Molecular consequence: 3 prime UTR variant.
Genome position (GRCh38, 1-based): chr5:13,690,828, G>A on the plus strand (C>T on the coding strand, the complement: DNAH5 is on the minus strand). VCF-style: chr5-13690828-G-A. GRCh37 (hg19) VCF-style: chr5-13690937-G-A.
Identifiers: ClinVar variation 350908 (VCV000350908.5), dbSNP rs115907706, ClinGen allele CA10622667.